The following is an entry in ClinVar:

ClinVar aggregate classification (germline): Uncertain significance. Review status: criteria provided, multiple submitters, no conflicts (2 of 4 stars). 2 submissions from 2 submitters: Uncertain significance (2). Last evaluated 2026-09-11.

Conditions:
Hereditary cancer-predisposing syndrome. Also called: Neoplastic Syndromes, Hereditary; Hereditary Cancer Syndrome; Hereditary neoplastic syndrome; Tumor predisposition. Identifiers: Orphanet 140162, MedGen C0027672, MeSH D009386, MONDO:0015356.
Familial cancer of breast. Also called: hereditary breast carcinoma; BREAST CANCER, FAMILIAL; Hereditary breast cancer. Identifiers: Orphanet 227535, MedGen C0346153, MONDO:0016419, OMIM 114480. Disease mechanism: loss of function.

Submissions (2):

Ambry Genetics
Classification: Uncertain significance for Hereditary cancer-predisposing syndrome. Last evaluated: 2026-09-11. Review status: criteria provided, single submitter. Criteria: Ambry Variant Classification Scheme 2023. Collection method: clinical testing. Allele origin: germline.
Comment: The p.N330D variant (also known as c.988A>G), located in coding exon 4 of the PALB2 gene, results from an A to G substitution at nucleotide position 988. The asparagine at codon 330 is replaced by aspartic acid, an amino acid with highly similar properties. This amino acid position is conserved. In addition, this alteration is predicted to be tolerated by in silico analysis. Based on the available evidence, the clinical significance of this variant remains unclear.

Labcorp Genetics (formerly Invitae), Labcorp
Classification: Uncertain significance for Familial cancer of breast. Last evaluated: 2025-06-05. Review status: criteria provided, single submitter. Criteria: Invitae Variant Classification Sherloc (09022015). Collection method: clinical testing. Allele origin: germline.
Comment: This sequence change replaces asparagine, which is neutral and polar, with aspartic acid, which is acidic and polar, at codon 330 of the PALB2 protein (p.Asn330Asp). This variant is not present in population databases (gnomAD no frequency). This variant has not been reported in the literature in individuals affected with PALB2-related conditions. ClinVar contains an entry for this variant (Variation ID: 662523). Invitae Evidence Modeling of protein sequence and biophysical properties (such as structural, functional, and spatial information, amino acid conservation, physicochemical variation, residue mobility, and thermodynamic stability) indicates that this missense variant is not expected to disrupt PALB2 protein function with a negative predictive value of 80%. In summary, the available evidence is currently insufficient to determine the role of this variant in disease. Therefore, it has been classified as a Variant of Uncertain Significance.

NM_024675.4(PALB2):c.988A>G (p.Asn330Asp)

Gene: PALB2 (partner and localizer of BRCA2; minus strand). Cytogenetic location: 16p12.2.
Variant type: single nucleotide variant.
Coding change: c.988A>G on transcript NM_024675.4 (MANE Select); coding-DNA position 988, A replaced by G.
Protein change: p.Asn330Asp; replaces asparagine 330 with aspartic acid.
Molecular consequence: missense variant.
Genome position (GRCh38, 1-based): chr16:23,635,558, T>C on the plus strand (A>G on the coding strand, the complement: PALB2 is on the minus strand). VCF-style: chr16-23635558-T-C. GRCh37 (hg19) VCF-style: chr16-23646879-T-C.
Other names: short protein forms N330D.
Identifiers: ClinVar variation 662523 (VCV000662523.11), dbSNP rs1597097599, ClinGen allele CA395134744.